The following is an entry in ClinVar:

NM_006005.3(WFS1):c.2259G>C (p.Glu753Asp)

Gene: WFS1 (wolframin ER transmembrane glycoprotein; plus strand). Cytogenetic location: 4p16.1.
Variant type: single nucleotide variant.
Coding change: c.2259G>C on transcript NM_006005.3 (MANE Select); coding-DNA position 2259, G replaced by C.
Protein change: p.Glu753Asp; replaces glutamic acid 753 with aspartic acid.
Molecular consequence: missense variant.
Genome position (GRCh38, 1-based): chr4:6,302,054, G>C. VCF-style: chr4-6302054-G-C. GRCh37 (hg19) VCF-style: chr4-6303781-G-C.
Other names: c.2259G>C, p.Glu753Asp (NM_001145853.1); short protein forms E753D.
Identifiers: ClinVar variation 2078034 (VCV002078034.5), dbSNP rs1024001621, ClinGen allele CA91796991.
Genomic context (GRCh38, chr4:6,302,054, plus strand): 5'-CCTCTACGGCGAGGCCTACCCTGCCTGCAGCCCTGGCAACACCTCCACGGCCGAGGAGGA[G>C]CTCTGTCGCCTTAAGCTGCTGGCCAAGCACCCCTGCCACATCAAGAAGTTCGACCGCTAC-3'
Protein context (NP_005996.2, residues 743-763): SPGNTSTAEE[Glu753Asp]LCRLKLLAKH

ClinVar aggregate classification (germline): Uncertain significance. Review status: criteria provided, multiple submitters, no conflicts (2 of 4 stars). 2 submissions from 2 submitters: Uncertain significance (2). Last evaluated 2024-09-14.

Conditions:
Wolfram-like syndrome. Also called: HEARING LOSS, PROGRESSIVE, WITH OPTIC ATROPHY AND/OR IMPAIRED GLUCOSE REGULATION. Identifiers: Orphanet 411590, MedGen C3280358, MONDO:0013673, OMIM 614296.
Autosomal dominant nonsyndromic hearing loss 6 (LFSNHL). Also called: DEAFNESS, AUTOSOMAL DOMINANT 6; DEAFNESS, AUTOSOMAL DOMINANT 14; DEAFNESS, AUTOSOMAL DOMINANT 38; Autosomal dominant nonsyndromic deafness 6. Identifiers: Orphanet 90635, MedGen C1833021, MONDO:0010963, OMIM 600965.
Type 2 diabetes mellitus. Also called: Type II diabetes mellitus. Identifiers: MedGen C0011860, MeSH D003924, MONDO:0005148, OMIM 125853, HP:0005978.
Wolfram syndrome 1 (WFS1). Identifiers: Orphanet 3463, MedGen C4551693, MONDO:0009101, OMIM 222300.
Cataract 41 (CTRCT41). Also called: CATARACT 41, CONGENITAL NUCLEAR TYPE. Identifiers: Orphanet 91492, Orphanet 98991, Orphanet 98992, Orphanet 98995, MedGen C3805412, MONDO:0007287, OMIM 116400.

Allele frequency attached by ClinVar (database versions not stated): gnomAD exomes below 0.00001; gnomAD 0.00001; TOPMed 0.00002.
gnomAD v4.1: 6 of 1,612,768 alleles (0.00037%); highest among the groups gnomAD compares: Admixed American, 0.005%; no homozygotes.

Submissions (2):

Labcorp Genetics (formerly Invitae), Labcorp
Classification: Uncertain significance. Last evaluated: 2024-09-14. Review status: criteria provided, single submitter. Criteria: Invitae Variant Classification Sherloc (09022015). Collection method: clinical testing. Allele origin: germline.
Comment: This sequence change replaces glutamic acid, which is acidic and polar, with aspartic acid, which is acidic and polar, at codon 753 of the WFS1 protein (p.Glu753Asp). This variant is present in population databases (no rsID available, gnomAD 0.006%). This variant has not been reported in the literature in individuals affected with WFS1-related conditions. ClinVar contains an entry for this variant (Variation ID: 2078034). Invitae Evidence Modeling of protein sequence and biophysical properties (such as structural, functional, and spatial information, amino acid conservation, physicochemical variation, residue mobility, and thermodynamic stability) has been performed for this missense variant. However, the output from this modeling did not meet the statistical confidence thresholds required to predict the impact of this variant on WFS1 protein function. In summary, the available evidence is currently insufficient to determine the role of this variant in disease. Therefore, it has been classified as a Variant of Uncertain Significance.

Fulgent Genetics
Classification: Uncertain significance for Cataract 41; Type 2 diabetes mellitus; Wolfram syndrome 1; Autosomal dominant nonsyndromic hearing loss 6; Wolfram-like syndrome. Last evaluated: 2024-05-08. Review status: criteria provided, single submitter. Criteria: ACMG Guidelines, 2015. Collection method: clinical testing. Allele origin: germline.